The following is an entry in ClinVar:

ClinVar aggregate classification (germline): Uncertain significance (1 of 4 stars; one submission).

gnomAD v4.1: 3 of 1,613,620 alleles (0.00019%); highest among the groups gnomAD compares: African/African-American, 0.0027%; no homozygotes.

Submission:

Labcorp Genetics (formerly Invitae), Labcorp
Classification: Uncertain significance. Last evaluated: 2025-12-29. Review status: criteria provided, single submitter. Criteria: Invitae Variant Classification Sherloc (09022015). Collection method: clinical testing. Allele origin: germline.
Comment: This sequence change replaces proline, which is neutral and non-polar, with alanine, which is neutral and non-polar, at codon 46 of the ITM2B protein (p.Pro46Ala). This variant is present in population databases (rs766715423, gnomAD 0.008%). This variant has not been reported in the literature in individuals affected with ITM2B-related conditions. Invitae Evidence Modeling of protein sequence and biophysical properties (such as structural, functional, and spatial information, amino acid conservation, physicochemical variation, residue mobility, and thermodynamic stability) indicates that this missense variant is not expected to disrupt ITM2B protein function with a negative predictive value of 80%. In summary, the available evidence is currently insufficient to determine the role of this variant in disease. Therefore, it has been classified as a Variant of Uncertain Significance.

NM_021999.5(ITM2B):c.136C>G (p.Pro46Ala)

Gene: ITM2B (integral membrane protein 2B; plus strand). Cytogenetic location: 13q14.2.
Variant type: single nucleotide variant.
Coding change: c.136C>G on transcript NM_021999.5 (MANE Select); coding-DNA position 136, C replaced by G.
Protein change: p.Pro46Ala; replaces proline 46 with alanine.
Molecular consequence: missense variant.
Genome position (GRCh38, 1-based): chr13:48,253,826, C>G. VCF-style: chr13-48253826-C-G. GRCh37 (hg19) VCF-style: chr13-48827962-C-G.
Other names: short protein forms P46A.
Identifiers: ClinVar variation 4692597 (VCV004692597.1).